The following is an entry in ClinVar:

NM_181507.2(HPS5):c.2717+6A>G

Gene: HPS5 (HPS5 biogenesis of lysosomal organelles complex 2 subunit 2; minus strand). Cytogenetic location: 11p15.1.
Variant type: single nucleotide variant.
Coding change: c.2717+6A>G on transcript NM_181507.2 (MANE Select); 6 bases into the intron after coding-DNA position 2717, A replaced by G.
Molecular consequence: intron variant.
Genome position (GRCh38, 1-based): chr11:18,287,529, T>C on the plus strand (A>G on the coding strand, the complement: HPS5 is on the minus strand). VCF-style: chr11-18287529-T-C. GRCh37 (hg19) VCF-style: chr11-18309076-T-C.
Other names: c.2303+6A>G (NM_001440929.1, NM_001440928.1, NM_001440927.1); c.2375+6A>G (NM_181508.2, NM_001440921.1, NM_001440926.1 and 7 more transcripts); c.2606+6A>G (NM_001440915.1, NM_001440914.1, NM_001440913.1); c.1863-819A>G (NM_001440931.1); c.2561+364A>G (NM_001440917.1); c.2717+6A>G (NM_001440906.1, NM_001440905.1, NM_001440903.1 and 3 more transcripts); c.2642+6A>G (NM_001440907.1, NM_001440909.1, NM_001440908.1); c.2504+6A>G (NM_001440919.1); and 1 more.
Identifiers: ClinVar variation 1935128 (VCV001935128.5), dbSNP rs2494501510, ClinGen allele CA2574773628.

ClinVar aggregate classification (germline): Uncertain significance. Review status: criteria provided, multiple submitters, no conflicts (2 of 4 stars). 2 submissions from 2 submitters: Uncertain significance (2). Last evaluated 2024-01-11.

Allele frequency attached by ClinVar (database versions not stated): gnomAD exomes below 0.00001.
gnomAD v4.1: 1 of 1,614,050 alleles (0.000062%); highest among the groups gnomAD compares: Non-Finnish European, 0.000085%; no homozygotes.

Submissions (2):

Women's Health and Genetics/Laboratory Corporation of America, LabCorp
Classification: Uncertain significance. Last evaluated: 2024-01-11. Review status: criteria provided, single submitter. Criteria: LabCorp Variant Classification Summary - May 2015. Collection method: clinical testing. Allele origin: germline.

Labcorp Genetics (formerly Invitae), Labcorp
Classification: Uncertain significance. Last evaluated: 2022-06-09. Review status: criteria provided, single submitter. Criteria: Invitae Variant Classification Sherloc (09022015). Collection method: clinical testing. Allele origin: germline.
Comment: This sequence change falls in intron 18 of the HPS5 gene. It does not directly change the encoded amino acid sequence of the HPS5 protein. It affects a nucleotide within the consensus splice site. This variant is not present in population databases (gnomAD no frequency). This variant has not been reported in the literature in individuals affected with HPS5-related conditions. Variants that disrupt the consensus splice site are a relatively common cause of aberrant splicing (PMID: 17576681, 9536098). Algorithms developed to predict the effect of sequence changes on RNA splicing suggest that this variant is not likely to affect RNA splicing. In summary, the available evidence is currently insufficient to determine the role of this variant in disease. Therefore, it has been classified as a Variant of Uncertain Significance.

Literature cited by the submitters: PubMed 17576681 (cited by Labcorp Genetics (formerly Invitae), Labcorp); PubMed 9536098 (cited by Labcorp Genetics (formerly Invitae), Labcorp).